The following is an entry in ClinVar:

Conditions:
Breast-ovarian cancer, familial, susceptibility to, 1 (BROVCA1). Also called: BRCA1 Hereditary Breast and Ovarian Cancer; OVARIAN CANCER, SUSCEPTIBILITY TO. Identifiers: Orphanet 145, MedGen C2676676, MONDO:0011450, OMIM 604370. Disease mechanism: loss of function.

Submission:

Brotman Baty Institute, University of Washington
No classification provided (evidence only). Condition: Breast-ovarian cancer, familial 1. Review status: no classification provided. Collection method: in vitro. Allele origin: not applicable. Functional consequence: function_uncertain_variant.
ClinVar note: "not provided" was previously submitted as the classification for the variant. However, the classification appeared to be based only on an observation of functional data so it was converted to no classification on 2025-07-30.

NM_007294.4(BRCA1):c.4896G>T (p.Val1632=)

Gene: BRCA1 (BRCA1 DNA repair associated; minus strand). Cytogenetic location: 17q21.31.
Variant type: single nucleotide variant.
Coding change: c.4896G>T on transcript NM_007294.4 (MANE Select); coding-DNA position 4896, G replaced by T.
Protein change: p.Val1632=; no amino-acid change (valine 1632 retained).
Molecular consequence: synonymous variant. On other transcripts: intron variant (1).
Genome position (GRCh38, 1-based): chr17:43,071,018, C>A on the plus strand (G>T on the coding strand, the complement: BRCA1 is on the minus strand). VCF-style: chr17-43071018-C-A. GRCh37 (hg19) VCF-style: chr17-41223035-C-A.
Other names: c.4683G>T, p.Val1561= (NM_001407571.1, NM_001407894.1, NM_001407895.1 and 12 more transcripts); c.4962G>T, p.Val1654= (NM_001407581.1, NM_001407582.1); c.4959G>T, p.Val1653= (NM_001407583.1, NM_001407585.1, NM_001407587.1 and 1 more transcripts); c.4956G>T, p.Val1652= (NM_001407590.1, NM_001407591.1); c.4896G>T, p.Val1632= (NM_001407593.1, NM_001407594.1, NM_001407596.1 and 8 more transcripts); c.4893G>T, p.Val1631= (NM_001407610.1, NM_001407611.1, NM_001407612.1 and 17 more transcripts); c.4890G>T, p.Val1630= (NM_001407627.1, NM_001407628.1, NM_001407629.1 and 14 more transcripts); c.4887G>T, p.Val1629= (NM_001407644.1, NM_001407645.1); and 71 more.
Identifiers: ClinVar variation 865660 (VCV000865660.3), dbSNP rs2052386010, ClinGen allele CA500231715.